The following is an entry in ClinVar:

NM_000283.4(PDE6B):c.379G>A (p.Asp127Asn)

Gene: PDE6B (phosphodiesterase 6B; plus strand). Cytogenetic location: 4p16.3.
Variant type: single nucleotide variant.
Coding change: c.379G>A on transcript NM_000283.4 (MANE Select); coding-DNA position 379, G replaced by A.
Protein change: p.Asp127Asn; replaces aspartic acid 127 with asparagine.
Molecular consequence: missense variant.
Genome position (GRCh38, 1-based): chr4:626,005, G>A. VCF-style: chr4-626005-G-A. GRCh37 (hg19) VCF-style: chr4-619794-G-A.
Other names: c.379G>A (NM_000283.3); c.379G>A, p.Asp127Asn (NM_001145291.2); short protein forms D127N.
Identifiers: ClinVar variation 1011801 (VCV001011801.13), dbSNP rs766141814, ClinGen allele CA2793924.

ClinVar aggregate classification (germline): Uncertain significance. Review status: criteria provided, multiple submitters, no conflicts (2 of 4 stars). 4 submissions from 4 submitters: Uncertain significance (4). Last evaluated 2026-06-11.

Conditions:
PDE6B-related disorder. Also called: PDE6B-related disorders; PDE6B-related disease; PDE6B-related condition.
Retinal dystrophy. Also called: Inherited retinal dystrophy. Identifiers: Orphanet 71862, MedGen C0854723, MeSH D058499, MONDO:0019118, HP:0000556.

Allele frequency attached by ClinVar (database versions not stated): gnomAD 0.00004 and 0.00006; TOPMed 0.00007; ExAC 0.00020.
gnomAD v4.1: 60 of 1,586,892 alleles (0.0038%); highest among the groups gnomAD compares: East Asian, 0.11%; 1 homozygote.

Submissions (4):

PreventionGenetics, part of Exact Sciences
Classification: Uncertain significance for PDE6B-related condition. Last evaluated: 2026-06-11. Review status: criteria provided, single submitter. Criteria: ACMG Guidelines, 2015. Collection method: clinical testing. Allele origin: germline.
Comment: The PDE6B c.379G>A variant is predicted to result in the amino acid substitution p.Asp127Asn. To our knowledge, this variant has not been reported in the literature. This variant is reported in 0.065% of alleles in individuals of East Asian descent in gnomAD, which may be too frequent to be a primary cause of disease. Although we suspect that this variant may be benign, at this time, the clinical significance of this variant is uncertain due to the absence of conclusive functional and genetic evidence.

Labcorp Genetics (formerly Invitae), Labcorp
Classification: Uncertain significance. Last evaluated: 2025-11-01. Review status: criteria provided, single submitter. Criteria: Invitae Variant Classification Sherloc (09022015). Collection method: clinical testing. Allele origin: germline.
Comment: This sequence change replaces aspartic acid, which is acidic and polar, with asparagine, which is neutral and polar, at codon 127 of the PDE6B protein (p.Asp127Asn). This variant is present in population databases (rs766141814, gnomAD 0.06%). This variant has not been reported in the literature in individuals affected with PDE6B-related conditions. ClinVar contains an entry for this variant (Variation ID: 1011801). Invitae Evidence Modeling of protein sequence and biophysical properties (such as structural, functional, and spatial information, amino acid conservation, physicochemical variation, residue mobility, and thermodynamic stability) has been performed for this missense variant. However, the output from this modeling did not meet the statistical confidence thresholds required to predict the impact of this variant on PDE6B protein function. In summary, the available evidence is currently insufficient to determine the role of this variant in disease. Therefore, it has been classified as a Variant of Uncertain Significance.

Blueprint Genetics
Classification: Uncertain significance. Last evaluated: 2024-01-16. Review status: criteria provided, single submitter. Criteria: ACMG Guidelines, 2015. Collection method: clinical testing. Allele origin: germline.

Dept Of Ophthalmology, Nagoya University
Classification: Uncertain significance for Retinal dystrophy. Last evaluated: 2023-10-01. Review status: criteria provided, single submitter. Criteria: Submitter's publication. Collection method: research. Allele origin: germline. Affected: yes.